The following is an entry in ClinVar:

ClinVar aggregate classification (germline): Uncertain significance (1 of 4 stars; one submission).

Conditions:
Catecholaminergic polymorphic ventricular tachycardia 1. Also called: VENTRICULAR TACHYCARDIA, STRESS-INDUCED POLYMORPHIC 1; VENTRICULAR TACHYCARDIA, CATECHOLAMINERGIC POLYMORPHIC, 1, WITH OR WITHOUT ATRIAL DYSFUNCTION AND/OR DILATED CARDIOMYOPATHY; RYR2-Related Catecholaminergic Polymorphic Ventricular Tachycardia. Identifiers: Orphanet 3286, MedGen C1631597, MONDO:0011484, OMIM 604772.

Allele frequency attached by ClinVar (database versions not stated): gnomAD exomes 0.00001.
gnomAD v4.1: 4 of 1,553,816 alleles (0.00026%); highest among the groups gnomAD compares: Non-Finnish European, 0.00035%; no homozygotes.

Submission:

Labcorp Genetics (formerly Invitae), Labcorp
Classification: Uncertain significance for Catecholaminergic polymorphic ventricular tachycardia 1. Last evaluated: 2020-03-22. Review status: criteria provided, single submitter. Criteria: Invitae Variant Classification Sherloc (09022015). Collection method: clinical testing. Allele origin: germline.
Comment: This sequence change replaces cysteine with tyrosine at codon 270 of the TRDN protein (p.Cys270Tyr). The cysteine residue is moderately conserved and there is a large physicochemical difference between cysteine and tyrosine. This variant is not present in population databases (ExAC no frequency). This variant has not been reported in the literature in individuals with TRDN-related conditions. Algorithms developed to predict the effect of missense changes on protein structure and function are either unavailable or do not agree on the potential impact of this missense change (SIFT: "Deleterious"; PolyPhen-2: "Probably Damaging"; Align-GVGD: "Class C0"). In summary, the available evidence is currently insufficient to determine the role of this variant in disease. Therefore, it has been classified as a Variant of Uncertain Significance.

NM_006073.4(TRDN):c.809G>A (p.Cys270Tyr)

Gene: TRDN (triadin; minus strand). Cytogenetic location: 6q22.31.
Variant type: single nucleotide variant.
Coding change: c.809G>A on transcript NM_006073.4 (MANE Select); coding-DNA position 809, G replaced by A.
Protein change: p.Cys270Tyr; replaces cysteine 270 with tyrosine.
Molecular consequence: missense variant. On other transcripts: intron variant (1).
Genome position (GRCh38, 1-based): chr6:123,497,237, C>T on the plus strand (G>A on the coding strand, the complement: TRDN is on the minus strand). VCF-style: chr6-123497237-C-T. GRCh37 (hg19) VCF-style: chr6-123818382-C-T.
Other names: c.809G>A, p.Cys270Tyr (NM_001251987.2); c.793+6482G>A (NM_001256020.2); short protein forms C270Y.
Identifiers: ClinVar variation 1015232 (VCV001015232.48), dbSNP rs1778487507, ClinGen allele CA365567334.